The following is an entry in ClinVar:

ClinVar aggregate classification (germline): Uncertain significance (1 of 4 stars; one submission).

gnomAD v4.1: 1 of 1,104,020 alleles (0.000091%); highest among the groups gnomAD compares: Admixed American, 0.0043%; no homozygotes.

Submission:

CeGaT Center for Human Genetics Tuebingen
Classification: Uncertain significance. Last evaluated: 2026-03-01. Review status: criteria provided, single submitter. Criteria: CeGaT Center For Human Genetics Tuebingen Variant Classification Criteria Version 2. Collection method: clinical testing. Allele origin: germline. Affected: yes. Observed: 2 variant alleles.
Comment: MYCN: PM2, PM1:Supporting, PP2, BS2

NM_005378.6(MYCN):c.548C>A (p.Ala183Asp)

Gene: MYCN (MYCN proto-oncogene, bHLH transcription factor; plus strand). Cytogenetic location: 2p24.3.
Variant type: single nucleotide variant.
Coding change: c.548C>A on transcript NM_005378.6 (MANE Select); coding-DNA position 548, C replaced by A.
Protein change: p.Ala183Asp; replaces alanine 183 with aspartic acid.
Molecular consequence: missense variant. On other transcripts: 3 prime UTR variant (1), intron variant (1).
Genome position (GRCh38, 1-based): chr2:15,942,612, C>A. VCF-style: chr2-15942612-C-A. GRCh37 (hg19) VCF-style: chr2-16082734-C-A.
Other names: c.548C>A, p.Ala183Asp (NM_001293228.2); c.*483C>A (NM_001293233.2); c.157+1869C>A (NM_001293231.2); short protein forms A183D.
Identifiers: ClinVar variation 4535272 (VCV004535272.6).
Genomic context (GRCh38, chr2:15,942,612, plus strand): 5'-GCGGGGCTGCGGGAGCCGGCCGCGCCGGGGCCGCCCTGCCCGCCGAGCTCGCCCACCCGG[C>A]CGCCGAGTGCGTGGATCCCGCCGTGGTCTTCCCCTTTCCCGTGAACAAGCGCGAGCCAGC-3'
Protein context (NP_005369.2, residues 173-193): AALPAELAHP[Ala183Asp]AECVDPAVVF